The following is an entry in ClinVar:

ClinVar aggregate classification (germline): Uncertain significance (1 of 4 stars; one submission).

gnomAD v4.1: 1 of 1,614,058 alleles (0.000062%); highest among the groups gnomAD compares: East Asian, 0.0022%; no homozygotes.

Submission:

Women's Health and Genetics/Laboratory Corporation of America, LabCorp
Classification: Uncertain significance. Last evaluated: 2024-06-25. Review status: criteria provided, single submitter. Criteria: LabCorp Variant Classification Summary - May 2015. Collection method: clinical testing. Allele origin: germline.
Comment: Variant summary: MAT1A c.695C>T (p.Pro232Leu) results in a non-conservative amino acid change located in the S-adenosylmethionine synthetase, central domain (IPR022629) of the encoded protein sequence. Five of five in-silico tools predict a damaging effect of the variant on protein function. The variant allele was found at a frequency of 4e-06 in 251392 control chromosomes (gnomAD). The available data on variant occurrences in the general population are insufficient to allow any conclusion about variant significance. c.695C>T has been reported in the literature in at least an individual affected with methionine adenosyltransferase deficiency (Tong_2023). This report(s) does not provide unequivocal conclusions about association of the variant with hepatic methionine adenosyltransferase deficiency. To our knowledge, no experimental evidence demonstrating an impact on protein function has been reported. The following publication has been ascertained in the context of this evaluation (PMID: 36704196). No submitters have cited clinical-significance assessments for this variant to ClinVar. Based on the evidence outlined above, the variant was classified as uncertain significance.

Literature cited by the submitters: PubMed 36704196.

NM_000429.3(MAT1A):c.695C>T (p.Pro232Leu)

Gene: MAT1A (methionine adenosyltransferase 1A; minus strand). Cytogenetic location: 10q22.3.
Variant type: single nucleotide variant.
Coding change: c.695C>T on transcript NM_000429.3 (MANE Select); coding-DNA position 695, C replaced by T.
Protein change: p.Pro232Leu; replaces proline 232 with leucine.
Molecular consequence: missense variant.
Genome position (GRCh38, 1-based): chr10:80,276,449, G>A on the plus strand (C>T on the coding strand, the complement: MAT1A is on the minus strand). VCF-style: chr10-80276449-G-A. GRCh37 (hg19) VCF-style: chr10-82036205-G-A.
Other names: short protein forms P232L.
Identifiers: ClinVar variation 3339798 (VCV003339798.1).
Genomic context (GRCh38, chr10:80,276,449, plus strand): 5'-ATGACAAACCGCCCACTGGGCTGCAGGTGGTAGACGGTGTCTTCGTCCAGGTACTTGGCC[G>A]GCACCACGGCCCTGATGACTTGCTCCTTCAGGGCCCTGCGCATCTCCTCCAGCGTGATGT-3'
Protein context (NP_000420.1, residues 222-242): LKEQVIRAVV[Pro232Leu]AKYLDEDTVY